The following is an entry in ClinVar:

NM_033641.4(COL4A6):c.46G>A (p.Glu16Lys)

Gene: COL4A6 (collagen type IV alpha 6 chain; minus strand). Cytogenetic location: Xq22.3.
Variant type: single nucleotide variant.
Coding change: c.46G>A on transcript NM_033641.4 (MANE Select); coding-DNA position 46, G replaced by A.
Protein change: p.Glu16Lys; replaces glutamic acid 16 with lysine.
Molecular consequence: missense variant.
Genome position (GRCh38, 1-based): chrX:108,437,959, C>T on the plus strand (G>A on the coding strand, the complement: COL4A6 is on the minus strand). VCF-style: chrX-108437959-C-T. GRCh37 (hg19) VCF-style: chrX-107681189-C-T.
Other names: c.46G>A, p.Glu16Lys (NM_001287758.2, NM_001287759.2, NM_001287760.2 and 1 more transcripts); c.49G>A, p.Glu17Lys (NM_001440759.1, NM_001847.4); short protein forms E17K, E16K.
Identifiers: ClinVar variation 4749145 (VCV004749145.1).

ClinVar aggregate classification (germline): Uncertain significance (1 of 4 stars; one submission).

gnomAD v4.1: 13 of 1,211,039 alleles (0.0011%); highest among the groups gnomAD compares: South Asian, 0.016%; no homozygotes.

Submission:

Labcorp Genetics (formerly Invitae), Labcorp
Classification: Uncertain significance. Last evaluated: 2025-09-06. Review status: criteria provided, single submitter. Criteria: Invitae Variant Classification Sherloc (09022015). Collection method: clinical testing. Allele origin: germline.
Comment: This sequence change replaces glutamic acid, which is acidic and polar, with lysine, which is basic and polar, at codon 17 of the COL4A6 protein (p.Glu17Lys). This variant is present in population databases (rs768415717, gnomAD 0.02%). This variant has not been reported in the literature in individuals affected with COL4A6-related conditions. An algorithm developed to predict the effect of missense changes on protein structure and function outputs the following: PolyPhen-2: "Not Available". The lysine amino acid residue is found in multiple mammalian species, which suggests that this missense change does not adversely affect protein function. In summary, the available evidence is currently insufficient to determine the role of this variant in disease. Therefore, it has been classified as a Variant of Uncertain Significance.